The following is an entry in ClinVar:

NM_004434.3(EML1):c.897+9C>T

Gene: EML1 (EMAP like 1; plus strand). Cytogenetic location: 14q32.2.
Variant type: single nucleotide variant.
Coding change: c.897+9C>T on transcript NM_004434.3 (MANE Select); 9 bases into the intron after coding-DNA position 897, C replaced by T.
Molecular consequence: intron variant.
Genome position (GRCh38, 1-based): chr14:99,898,311, C>T. VCF-style: chr14-99898311-C-T. GRCh37 (hg19) VCF-style: chr14-100364648-C-T.
Other names: c.858+9C>T (NM_001375411.1); c.954+9C>T (NM_001008707.2); c.897+9C>T (NM_001375412.1).
Identifiers: ClinVar variation 715034 (VCV000715034.12), dbSNP rs201162542, ClinGen allele CA7342464.
Genomic context (GRCh38, chr14:99,898,311, plus strand): 5'-TCGGATCACGATAGCAACAGGACAAGTTGCGGGCACATCGAAGGATGGAAAAGTGAGTTA[C>T]GTTACCTTTTCATTGTTTCATAATGAACTGGTAACACAAAGTAATTTTTAGAAAACATTG-3'

ClinVar aggregate classification (germline): Benign/Likely benign. Review status: criteria provided, multiple submitters, no conflicts (2 of 4 stars). 3 submissions from 3 submitters: Benign (1); Likely benign (1). 1 of the submissions does not count toward it. Last evaluated 2025-12-08.

Conditions:
EML1-related disorder. Also called: EML1-related condition.

Allele frequency attached by ClinVar (database versions not stated): TOPMed 0.00103; gnomAD 0.00114 and 0.00132; ESP Exome Variant Server 0.00131; 1000 Genomes Project 0.00140; 1000 Genomes Project 30x 0.00156; gnomAD exomes 0.00199 and 0.00207; ExAC 0.00241.
gnomAD v4.1: 3,064 of 1,607,176 alleles (0.19%); highest among the groups gnomAD compares: South Asian, 0.96%; 14 homozygotes.

Submissions (3):

Labcorp Genetics (formerly Invitae), Labcorp
Classification: Benign. Last evaluated: 2025-12-08. Review status: criteria provided, single submitter. Criteria: Invitae Variant Classification Sherloc (09022015). Collection method: clinical testing. Allele origin: germline.

Blueprint Genetics
Classification: Likely benign. Last evaluated: 2024-11-26. Review status: criteria provided, single submitter. Criteria: ACMG Guidelines, 2015. Collection method: clinical testing. Allele origin: germline.

PreventionGenetics, part of Exact Sciences
Classification: Benign for EML1-related condition. Last evaluated: 2019-07-08. Review status: no assertion criteria provided. Collection method: clinical testing. Allele origin: germline. Not counted in ClinVar's aggregate classification.
Comment: This variant is classified as benign based on ACMG/AMP sequence variant interpretation guidelines (Richards et al. 2015 PMID: 25741868, with internal and published modifications).